The following is an entry in ClinVar:

ClinVar aggregate classification (germline): Uncertain significance (1 of 4 stars; one submission).

gnomAD v4.1: 1 of 1,614,028 alleles (0.000062%); no homozygotes.

Submission:

Labcorp Genetics (formerly Invitae), Labcorp
Classification: Uncertain significance. Last evaluated: 2024-05-05. Review status: criteria provided, single submitter. Criteria: Invitae Variant Classification Sherloc (09022015). Collection method: clinical testing. Allele origin: germline.
Comment: This sequence change replaces glutamic acid, which is acidic and polar, with glutamine, which is neutral and polar, at codon 513 of the SCN3A protein (p.Glu513Gln). This variant is not present in population databases (gnomAD no frequency). This variant has not been reported in the literature in individuals affected with SCN3A-related conditions. ClinVar contains an entry for this variant (Variation ID: 1043545). Advanced modeling of protein sequence and biophysical properties (such as structural, functional, and spatial information, amino acid conservation, physicochemical variation, residue mobility, and thermodynamic stability) performed at Invitae indicates that this missense variant is not expected to disrupt SCN3A protein function with a negative predictive value of 95%. In summary, the available evidence is currently insufficient to determine the role of this variant in disease. Therefore, it has been classified as a Variant of Uncertain Significance.

NM_006922.4(SCN3A):c.1537G>C (p.Glu513Gln)

Gene: SCN3A (sodium voltage-gated channel alpha subunit 3; minus strand). Cytogenetic location: 2q24.3.
Variant type: single nucleotide variant.
Coding change: c.1537G>C on transcript NM_006922.4 (MANE Select); coding-DNA position 1537, G replaced by C.
Protein change: p.Glu513Gln; replaces glutamic acid 513 with glutamine.
Molecular consequence: missense variant.
Genome position (GRCh38, 1-based): chr2:165,146,873, C>G on the plus strand (G>C on the coding strand, the complement: SCN3A is on the minus strand). VCF-style: chr2-165146873-C-G. GRCh37 (hg19) VCF-style: chr2-166003383-C-G.
Other names: c.1537G>C, p.Glu513Gln (NM_001081676.2, NM_001081677.2); short protein forms E513Q.
Identifiers: ClinVar variation 1043545 (VCV001043545.8), dbSNP rs1294589112, ClinGen allele CA349236540.